The following is an entry in ClinVar:

ClinVar aggregate classification (germline): Uncertain significance (1 of 4 stars; one submission).

Conditions:
Cataract 14 multiple types. Also called: CATARACT 14, ZONULAR PULVERULENT; CATARACT 14, NUCLEAR PULVERULENT; CATARACT 14, NUCLEAR PULVERULENT AND POSTERIOR POLAR; CATARACT 14, NUCLEAR CORALLIFORM; CATARACT 14, EMBRYONAL NUCLEAR; CATARACT 14, COPPOCK-LIKE. Identifiers: Orphanet 91492, MedGen C1866078, MONDO:0011162, OMIM 601885.

Allele frequency attached by ClinVar (database versions not stated): TOPMed below 0.00001; ExAC 0.00001; ESP Exome Variant Server 0.00008.

Submission:

Labcorp Genetics (formerly Invitae), Labcorp
Classification: Uncertain significance for Cataract 14 multiple types. Last evaluated: 2024-01-12. Review status: criteria provided, single submitter. Criteria: Invitae Variant Classification Sherloc (09022015). Collection method: clinical testing. Allele origin: germline.
Comment: This sequence change creates a premature translational stop signal (p.Tyr149*) in the GJA3 gene. While this is not anticipated to result in nonsense mediated decay, it is expected to disrupt the last 287 amino acid(s) of the GJA3 protein. This variant is present in population databases (rs368254989, gnomAD no frequency). This variant has not been reported in the literature in individuals affected with GJA3-related conditions. Experimental studies and prediction algorithms are not available or were not evaluated, and the functional significance of this variant is currently unknown. In summary, the available evidence is currently insufficient to determine the role of this variant in disease. Therefore, it has been classified as a Variant of Uncertain Significance.

NM_021954.4(GJA3):c.447C>A (p.Tyr149Ter)

Gene: GJA3 (gap junction protein alpha 3; minus strand). Cytogenetic location: 13q12.11.
Variant type: single nucleotide variant.
Coding change: c.447C>A on transcript NM_021954.4 (MANE Select); coding-DNA position 447, C replaced by A.
Protein change: p.Tyr149Ter; replaces tyrosine 149 with a stop codon.
Molecular consequence: nonsense.
Genome position (GRCh38, 1-based): chr13:20,142,842, G>T on the plus strand (C>A on the coding strand, the complement: GJA3 is on the minus strand). VCF-style: chr13-20142842-G-T. GRCh37 (hg19) VCF-style: chr13-20716981-G-T.
Other names: short protein forms Y149*.
Identifiers: ClinVar variation 2770721 (VCV002770721.3), dbSNP rs368254989, ClinGen allele CA6904112.